The following is an entry in ClinVar:

NM_001130987.2(DYSF):c.2462G>A (p.Arg821His)

Gene: DYSF (dysferlin; plus strand). Cytogenetic location: 2p13.2.
Variant type: single nucleotide variant.
Coding change: c.2462G>A on transcript NM_001130987.2 (MANE Select); coding-DNA position 2462, G replaced by A.
Protein change: p.Arg821His; replaces arginine 821 with histidine.
Molecular consequence: missense variant.
Genome position (GRCh38, 1-based): chr2:71,564,110, G>A. VCF-style: chr2-71564110-G-A. GRCh37 (hg19) VCF-style: chr2-71791240-G-A.
Other names: c.2411G>A, p.Arg804His (NM_001130455.2, NM_001130983.2); c.2366G>A, p.Arg789His (NM_001130976.2, NM_001130977.2); c.2408G>A, p.Arg803His (NM_001130978.2, NM_003494.4); c.2501G>A, p.Arg834His (NM_001130979.2); c.2459G>A, p.Arg820His (NM_001130980.2, NM_001130981.2); c.2504G>A, p.Arg835His (NM_001130982.2); c.2369G>A, p.Arg790His (NM_001130984.2, NM_001130986.2); c.2462G>A, p.Arg821His (NM_001130985.2); short protein forms R821H, R803H, R789H, R804H, R835H, R790H, R820H, R834H.
Identifiers: ClinVar variation 288493 (VCV000288493.18), dbSNP rs759675023, ClinGen allele CA1706181.
Genomic context (GRCh38, chr2:71,564,110, plus strand): 5'-CTGTTCAGCCCCAGAACAGCCTGCCGGACATCGTCATCTGGATGCTGCAGGGAGACAAGC[G>A]TGTGGCATACCAGCGGGTGCCCGCCCACCAAGTCCTCTTCTCCCGGCGGGGTGCCAACTA-3'
Protein context (NP_001124459.1, residues 811-831): IVIWMLQGDK[Arg821His]VAYQRVPAHQ

ClinVar aggregate classification (germline): Uncertain significance. Review status: criteria provided, multiple submitters, no conflicts (2 of 4 stars). 7 submissions from 7 submitters: Uncertain significance (5). 2 of the submissions do not count toward it. Last evaluated 2025-01-01.

Conditions:
Neuromuscular disease caused by qualitative or quantitative defects of dysferlin. Also called: Dysferlinopathy; Qualitative or quantitative defects of dysferlin. Identifiers: Orphanet 207073, MedGen C2931687, MONDO:0016145.
Autosomal recessive limb-girdle muscular dystrophy type 2B (LGMDR2). Also called: MUSCULAR DYSTROPHY, LIMB-GIRDLE, TYPE 3; Limb-Girdle Muscular Dystrophy Type 2B (LGMD2B); Limb-girdle muscular dystrophy, type 2B; MUSCULAR DYSTROPHY, LIMB-GIRDLE, AUTOSOMAL RECESSIVE 2. Identifiers: Orphanet 268, MedGen C1850889, MONDO:0009676, OMIM 253601.

Allele frequency attached by ClinVar (database versions not stated): ExAC 0.00001; gnomAD 0.00001; gnomAD exomes 0.00001 and 0.00005; TOPMed 0.00003.
gnomAD v4.1: 23 of 1,614,152 alleles (0.0014%); highest among the groups gnomAD compares: Middle Eastern, 0.033%; no homozygotes.

Submissions (7):

Labcorp Genetics (formerly Invitae), Labcorp
Classification: Uncertain significance for Neuromuscular disease caused by qualitative or quantitative defects of dysferlin. Last evaluated: 2025-01-01. Review status: criteria provided, single submitter. Criteria: Invitae Variant Classification Sherloc (09022015). Collection method: clinical testing. Allele origin: germline.
Comment: This sequence change replaces arginine, which is basic and polar, with histidine, which is basic and polar, at codon 803 of the DYSF protein (p.Arg803His). This variant is present in population databases (rs759675023, gnomAD 0.01%). This missense change has been observed in individual(s) with limb-girdle muscular dystrophy (PMID: 21816046, 30564623). ClinVar contains an entry for this variant (Variation ID: 288493). Invitae Evidence Modeling of protein sequence and biophysical properties (such as structural, functional, and spatial information, amino acid conservation, physicochemical variation, residue mobility, and thermodynamic stability) indicates that this missense variant is expected to disrupt DYSF protein function with a positive predictive value of 95%. In summary, the available evidence is currently insufficient to determine the role of this variant in disease. Therefore, it has been classified as a Variant of Uncertain Significance.

Women's Health and Genetics/Laboratory Corporation of America, LabCorp
Classification: Uncertain significance. Last evaluated: 2024-01-12. Review status: criteria provided, single submitter. Criteria: LabCorp Variant Classification Summary - May 2015. Collection method: clinical testing. Allele origin: germline.
Comment: Variant summary: DYSF c.2408G>A (p.Arg803His) results in a non-conservative amino acid change located in the Ferlin B-domain (IPR012561) of the encoded protein sequence. Five of five in-silico tools predict a damaging effect of the variant on protein function. The variant allele was found at a frequency of 4.8e-05 in 251472 control chromosomes (gnomAD). This frequency is not significantly higher than expected for a pathogenic variant in DYSF causing Limb-Girdle Muscular Dystrophy, Autosomal Recessive (4.8e-05 vs 0.0031), allowing no conclusion about variant significance. c.2408G>A has been reported in the literature in the heterozygous state in at least one individual affected with suspected Limb-Girdle Muscular Dystrophy, Autosomal Recessive (Rosales_2011, Nallamilli_2018). These report(s) do not provide unequivocal conclusions about association of the variant with Limb-Girdle Muscular Dystrophy, Autosomal Recessive. To our knowledge, no experimental evidence demonstrating an impact on protein function has been reported. The following publications have been ascertained in the context of this evaluation (PMID: 25312915, 30564623, 21816046). ClinVar contains an entry for this variant (Variation ID: 288493). Based on the evidence outlined above, the variant was classified as uncertain significance.

GeneDx
Classification: Uncertain significance. Last evaluated: 2023-11-29. Review status: criteria provided, single submitter. Criteria: GeneDx Variant Classification Process June 2021. Collection method: clinical testing. Allele origin: germline. Affected: yes.
Comment: Identified as a single heterozygous variant in a patient with proximal lower extremity weakness and elevated creatine kinase levels (PMID: 21816046); In silico analysis supports that this missense variant has a deleterious effect on protein structure/function; This variant is associated with the following publications: (PMID: 25312915, 34426522, 24438169, 21816046)

Revvity Omics, Revvity
Classification: Uncertain significance. Last evaluated: 2023-10-03. Review status: criteria provided, single submitter. Criteria: ACMG Guidelines, 2015. Collection method: clinical testing. Allele origin: germline.

Eurofins Ntd Llc (ga)
Classification: Uncertain significance. Last evaluated: 2016-06-06. Review status: criteria provided, single submitter. Criteria: EGL Classification Definitions 2015. Collection method: clinical testing. Allele origin: germline. Observed: 2 variant alleles, 2 heterozygotes.

Natera, Inc.
Classification: Uncertain significance for Limb-girdle muscular dystrophy type 2B. Last evaluated: 2020-02-25. Review status: no assertion criteria provided. Collection method: clinical testing. Allele origin: germline. Not counted in ClinVar's aggregate classification.

Counsyl
Classification: Uncertain significance for Autosomal recessive limb-girdle muscular dystrophy type 2B. Last evaluated: 2017-04-14. Review status: no assertion criteria provided. Collection method: clinical testing. Allele origin: unknown. Not counted in ClinVar's aggregate classification.

Literature cited by the submitters: PubMed 21816046 (cited by 3 submitters); PubMed 30564623 (cited by Labcorp Genetics (formerly Invitae), Labcorp and Women's Health and Genetics/Laboratory Corporation of America, LabCorp); PubMed 25312915 (cited by Women's Health and Genetics/Laboratory Corporation of America, LabCorp and Counsyl).